The following is an entry in ClinVar:

ClinVar aggregate classification (germline): Uncertain significance. Review status: criteria provided, multiple submitters, no conflicts (2 of 4 stars). 2 submissions from 2 submitters: Uncertain significance (2). Last evaluated 2025-06-24.

Conditions:
Inborn genetic diseases. Identifiers: MedGen C0950123, MeSH D030342.

gnomAD v4.1: 13 of 1,588,644 alleles (0.00082%); highest among the groups gnomAD compares: Non-Finnish European, 0.0011%; no homozygotes.

Submissions (2):

Ambry Genetics
Classification: Uncertain significance for Inborn genetic diseases. Last evaluated: 2025-06-24. Review status: criteria provided, single submitter. Criteria: Ambry Variant Classification Scheme 2023. Collection method: clinical testing. Allele origin: germline.

Labcorp Genetics (formerly Invitae), Labcorp
Classification: Uncertain significance. Last evaluated: 2025-03-17. Review status: criteria provided, single submitter. Criteria: Invitae Variant Classification Sherloc (09022015). Collection method: clinical testing. Allele origin: germline.
Comment: This sequence change replaces proline, which is neutral and non-polar, with leucine, which is neutral and non-polar, at codon 246 of the SIN3A protein (p.Pro246Leu). This variant is not present in population databases (gnomAD no frequency). This variant has not been reported in the literature in individuals affected with SIN3A-related conditions. An algorithm developed to predict the effect of missense changes on protein structure and function (PolyPhen-2) suggests that this variant is likely to be tolerated. In summary, the available evidence is currently insufficient to determine the role of this variant in disease. Therefore, it has been classified as a Variant of Uncertain Significance.

NM_001145358.2(SIN3A):c.737C>T (p.Pro246Leu)

Gene: SIN3A (SIN3 transcription regulator family member A; minus strand). Cytogenetic location: 15q24.2.
Variant type: single nucleotide variant.
Coding change: c.737C>T on transcript NM_001145358.2 (MANE Select); coding-DNA position 737, C replaced by T.
Protein change: p.Pro246Leu; replaces proline 246 with leucine.
Molecular consequence: missense variant.
Genome position (GRCh38, 1-based): chr15:75,412,782, G>A on the plus strand (C>T on the coding strand, the complement: SIN3A is on the minus strand). VCF-style: chr15-75412782-G-A. GRCh37 (hg19) VCF-style: chr15-75705123-G-A.
Other names: c.737C>T, p.Pro246Leu (NM_001145357.2, NM_015477.3); c.737C>T (NM_001145358.1); short protein forms P246L.
Identifiers: ClinVar variation 3674538 (VCV003674538.3).
Genomic context (GRCh38, chr15:75,412,782, plus strand): 5'-GGGATGCATTCATATTGATGCAATATTTTCCAAGTGCTCACCTTGCTGACTTTGGCAGGT[G>A]GGGGCTGAGGAGCTGGCTGGGCAGGAGCTGGGGCTGACTGGGCTGAAGGCTGGGAAGGAT-3'
Protein context (NP_001138830.1, residues 236-256): PAPAQPAPQP[Pro246Leu]PAKVSKPSQL